The following is an entry in ClinVar:

NM_032730.5(RTN4IP1):c.1094T>C (p.Val365Ala)

Gene: RTN4IP1 (reticulon 4 interacting protein 1; minus strand). Cytogenetic location: 6q21.
Variant type: single nucleotide variant.
Coding change: c.1094T>C on transcript NM_032730.5 (MANE Select); coding-DNA position 1094, T replaced by C.
Protein change: p.Val365Ala; replaces valine 365 with alanine.
Molecular consequence: missense variant.
Genome position (GRCh38, 1-based): chr6:106,572,093, A>G on the plus strand (T>C on the coding strand, the complement: RTN4IP1 is on the minus strand). VCF-style: chr6-106572093-A-G. GRCh37 (hg19) VCF-style: chr6-107019968-A-G.
Other names: p.Val365Ala; c.794T>C, p.Val265Ala (NM_001318746.1); short protein forms V265A, V365A.
Identifiers: ClinVar variation 704000 (VCV000704000.16), dbSNP rs140586853, ClinGen allele CA3944271.
Genomic context (GRCh38, chr6:106,572,093, plus strand): 5'-CCTCTTTCCACCTTCAGGAAGGCTTCTGGAACTTTAGAAAAAGGAAAGGTTTGTTCAATA[A>G]CTGGCCGGATCTGTAAAACATAAGAGGTTGACCGGTGGATAAAAAAGCCTACATCTTTCA-3'
Protein context (NP_116119.2, residues 355-375): ELVDAGKIRP[Val365Ala]IEQTFPFSKV

ClinVar aggregate classification (germline): Benign/Likely benign. Review status: criteria provided, multiple submitters, no conflicts (2 of 4 stars). 5 submissions from 5 submitters: Benign (1); Likely benign (3). 1 of the submissions does not count toward it. Last evaluated 2025-12-24.

Conditions:
RTN4IP1-related disorder. Also called: RTN4IP1-related condition.

Allele frequency attached by ClinVar (database versions not stated): gnomAD exomes 0.00012 and 0.00027; ExAC 0.00036; 1000 Genomes Project 0.00060; 1000 Genomes Project 30x 0.00078; ESP Exome Variant Server 0.00115; gnomAD 0.00117 and 0.00125; TOPMed 0.00132.

Submissions (5):

Labcorp Genetics (formerly Invitae), Labcorp
Classification: Likely benign. Last evaluated: 2025-12-24. Review status: criteria provided, single submitter. Criteria: Invitae Variant Classification Sherloc (09022015). Collection method: clinical testing. Allele origin: germline.

Mayo Clinic Laboratories, Mayo Clinic
Classification: Likely benign. Last evaluated: 2025-01-29. Review status: criteria provided, single submitter. Criteria: ACMG Guidelines, 2015. Collection method: clinical testing. Allele origin: germline. Observed: 1 variant allele.
Comment: BS1

Blueprint Genetics
Classification: Benign. Last evaluated: 2024-05-14. Review status: criteria provided, single submitter. Criteria: ACMG Guidelines, 2015. Collection method: clinical testing. Allele origin: germline.

Breakthrough Genomics
Classification: Likely benign. Review status: criteria provided, single submitter. Criteria: ACMG Guidelines, 2015. Collection method: not provided. Allele origin: germline. Inheritance: Autosomal recessive inheritance. Affected: yes.

PreventionGenetics, part of Exact Sciences
Classification: Likely benign for RTN4IP1-related condition. Last evaluated: 2023-01-27. Review status: no assertion criteria provided. Collection method: clinical testing. Allele origin: germline. Not counted in ClinVar's aggregate classification.
Comment: This variant is classified as likely benign based on ACMG/AMP sequence variant interpretation guidelines (Richards et al. 2015 PMID: 25741868, with internal and published modifications).